The following is an entry in ClinVar:

NM_001330588.2(TPP2):c.694G>C (p.Glu232Gln)

Gene: TPP2 (tripeptidyl peptidase 2; plus strand). Cytogenetic location: 13q33.1.
Variant type: single nucleotide variant.
Coding change: c.694G>C on transcript NM_001330588.2 (MANE Select); coding-DNA position 694, G replaced by C.
Protein change: p.Glu232Gln; replaces glutamic acid 232 with glutamine.
Molecular consequence: missense variant. On other transcripts: non-coding transcript variant (1).
Genome position (GRCh38, 1-based): chr13:102,622,950, G>C. VCF-style: chr13-102622950-G-C. GRCh37 (hg19) VCF-style: chr13-103275300-G-C.
Other names: c.694G>C, p.Glu232Gln (NM_001367947.1, NM_003291.4); short protein forms E232Q.
Identifiers: ClinVar variation 4765213 (VCV004765213.1).

ClinVar aggregate classification (germline): Uncertain significance (1 of 4 stars; one submission).

Conditions:
Evans syndrome, immunodeficiency, and premature immunosenescence associated with tripeptidyl-peptidase II deficiency. Identifiers: MedGen CN231723. Disease mechanism: loss of function.

gnomAD v4.1: 1 of 1,614,114 alleles (0.000062%); highest among the groups gnomAD compares: East Asian, 0.0022%; no homozygotes.

Submission:

Labcorp Genetics (formerly Invitae), Labcorp
Classification: Uncertain significance for Evans syndrome, immunodeficiency, and premature immunosenescence associated with tripeptidyl-peptidase II deficiency. Last evaluated: 2025-05-25. Review status: criteria provided, single submitter. Criteria: Invitae Variant Classification Sherloc (09022015). Collection method: clinical testing. Allele origin: germline.
Comment: This sequence change replaces glutamic acid, which is acidic and polar, with glutamine, which is neutral and polar, at codon 232 of the TPP2 protein (p.Glu232Gln). This variant is present in population databases (rs756044005, gnomAD 0.02%). This variant has not been reported in the literature in individuals affected with TPP2-related conditions. An algorithm developed to predict the effect of missense changes on protein structure and function (PolyPhen-2) suggests that this variant is likely to be tolerated. In summary, the available evidence is currently insufficient to determine the role of this variant in disease. Therefore, it has been classified as a Variant of Uncertain Significance.